The following is an entry in ClinVar:

NM_000138.5(FBN1):c.7841C>G (p.Ala2614Gly)

Gene: FBN1 (fibrillin 1; minus strand). Cytogenetic location: 15q21.1.
Variant type: single nucleotide variant.
Coding change: c.7841C>G on transcript NM_000138.5 (MANE Select); coding-DNA position 7841, C replaced by G.
Protein change: p.Ala2614Gly; replaces alanine 2614 with glycine.
Molecular consequence: missense variant.
Genome position (GRCh38, 1-based): chr15:48,415,746, G>C on the plus strand (C>G on the coding strand, the complement: FBN1 is on the minus strand). VCF-style: chr15-48415746-G-C. GRCh37 (hg19) VCF-style: chr15-48707943-G-C.
Other names: c.7841C>G, p.Ala2614Gly (NM_001406716.1); short protein forms A2614G.
Identifiers: ClinVar variation 3070390 (VCV003070390.1), dbSNP rs2505384369, ClinGen allele CA392323419.

ClinVar aggregate classification (germline): Uncertain significance (1 of 4 stars; one submission).

Conditions:
Marfan syndrome (MFS). Also called: MARFAN SYNDROME, TYPE I; Marfan syndrome type 1; Marfan's syndrome; Marfan syndrome, classic; FBN1-Related Marfan Syndrome. Identifiers: Orphanet 284963, Orphanet 558, MedGen C0024796, MONDO:0007947, OMIM 154700.

Submission:

All of Us Research Program, National Institutes of Health
Classification: Uncertain significance for Marfan syndrome. Last evaluated: 2023-04-10. Review status: criteria provided, single submitter. Criteria: ACMG Guidelines, 2015. Collection method: clinical testing. Allele origin: germline. Inheritance: Autosomal dominant inheritance. Observed: 1 variant allele, 1 heterozygote.
Comment: This missense variant replaces alanine with glycine at codon 2614 of the FBN1 protein. Computational prediction suggests that this variant may not impact protein structure and function (internally defined REVEL score threshold <= 0.5, PMID: 27666373). To our knowledge, functional studies have not been reported for this variant. This variant has not been reported in individuals affected with FBN1-related disorders in the literature. This variant has not been identified in the general population by the Genome Aggregation Database (gnomAD). The available evidence is insufficient to determine the role of this variant in disease conclusively. Therefore, this variant is classified as a Variant of Uncertain Significance.

This study involves interpretation of variants in research participants for the purpose of population health screening. Participant phenotype was not available at the time of variant classification. Additional details can be found in publication PMID: 35346344, PMCID: PMC8962531